The following is an entry in ClinVar:

ClinVar aggregate classification (germline): Uncertain significance (1 of 4 stars; one submission).

Submission:

Labcorp Genetics (formerly Invitae), Labcorp
Classification: Uncertain significance. Last evaluated: 2025-04-15. Review status: criteria provided, single submitter. Criteria: Invitae Variant Classification Sherloc (09022015). Collection method: clinical testing. Allele origin: germline.
Comment: This sequence change falls in intron 6 of the GUCY2C gene. It does not directly change the encoded amino acid sequence of the GUCY2C protein. This variant is present in population databases (no rsID available, gnomAD 0.004%). This variant has not been reported in the literature in individuals affected with GUCY2C-related conditions. Algorithms developed to predict the effect of sequence changes on RNA splicing suggest that this variant may disrupt the consensus splice site. In summary, the available evidence is currently insufficient to determine the role of this variant in disease. Therefore, it has been classified as a Variant of Uncertain Significance.

NM_004963.4(GUCY2C):c.831-5T>A

Genes: GUCY2C (guanylate cyclase 2C; minus strand), GUCY2C-AS1 (GUCY2C antisense RNA 1; plus strand). Cytogenetic location: 12p12.3.
Variant type: single nucleotide variant.
Coding change: c.831-5T>A on transcript NM_004963.4 (MANE Select); 5 bases into the intron before coding-DNA position 831, T replaced by A.
Molecular consequence: intron variant.
Genome position (GRCh38, 1-based): chr12:14,676,976, A>T on the plus strand (T>A on the coding strand, the complement: GUCY2C is on the minus strand). VCF-style: chr12-14676976-A-T. GRCh37 (hg19) VCF-style: chr12-14829910-A-T.
Identifiers: ClinVar variation 4691838 (VCV004691838.1).